The following is an entry in ClinVar:

ClinVar aggregate classification (germline): Uncertain significance (1 of 4 stars; one submission).

Conditions:
Primary ciliary dyskinesia. Also called: Ciliary dyskinesia. Identifiers: Orphanet 244, MedGen C0008780, MONDO:0016575, HP:0012265.

Submission:

Labcorp Genetics (formerly Invitae), Labcorp
Classification: Uncertain significance for Primary ciliary dyskinesia. Last evaluated: 2016-05-30. Review status: criteria provided, single submitter. Criteria: Invitae Variant Classification Sherloc (09022015). Collection method: clinical testing. Allele origin: germline.
Comment: This variant is a gross duplication of the genomic region encompassing exons 19-20 of the CCDC40 gene. The 5' boundary is likely confined to intron 19. The 3' end of this event is unknown as it extends beyond the assayed region for this gene and therefore may encompass additional genes. This variant is not present in population databases (ExAC no frequency) and has not been reported in the literature in individuals with a CCDC40-related disease. In summary, this variant is a novel duplication with uncertain impact on protein function. It has been classified as a Variant of Uncertain Significance.

NC_000017.10:g.(?_78071044)_(78074412_?)dup

Genes: CCDC40 (coiled-coil domain 40 molecular ruler complex subunit; plus strand), MIR1268B (microRNA 1268b; plus strand). Cytogenetic location: 17q25.3.
Variant type: Duplication.
Identifiers: ClinVar variation 417416 (VCV000417416.1).